The following is an entry in ClinVar:

NM_170707.4(LMNA):c.320G>A (p.Ser107Asn)

Gene: LMNA (lamin A/C; plus strand). Cytogenetic location: 1q22.
Variant type: single nucleotide variant.
Coding change: c.320G>A on transcript NM_170707.4 (MANE Select); coding-DNA position 320, G replaced by A.
Protein change: p.Ser107Asn; replaces serine 107 with asparagine.
Molecular consequence: missense variant. On other transcripts: 5 prime UTR variant (8), intron variant (2).
Genome position (GRCh38, 1-based): chr1:156,115,238, G>A. VCF-style: chr1-156115238-G-A. GRCh37 (hg19) VCF-style: chr1-156085029-G-A.
Other names: c.320G>A, p.Ser107Asn (NM_001282625.2, NM_001282626.2, NM_001406983.1 and 6 more transcripts); c.-104G>A (NM_001406986.1); c.-82G>A (NM_001406990.1, NM_001406995.1, NM_001407002.1); c.-345G>A (NM_001406994.1, NM_001407000.1); c.-525G>A (NM_001406999.1); c.-188G>A (NM_001407001.1); c.-203+8415G>A (NM_001406993.1, NM_001407003.1); short protein forms S107N.
Identifiers: ClinVar variation 3071859 (VCV003071859.1), dbSNP rs2527834602, ClinGen allele CA342808784.

ClinVar aggregate classification (germline): Uncertain significance (1 of 4 stars; one submission).

Conditions:
Primary dilated cardiomyopathy (DCM). Also called: Dilated Cardiomyopathy. Identifiers: Orphanet 217604, MedGen C0007193, MeSH D002311, MONDO:0005021, HP:0001644. Inheritance: Various modes of inheritance.

Submission:

All of Us Research Program, National Institutes of Health
Classification: Uncertain significance for Primary dilated cardiomyopathy. Last evaluated: 2023-06-26. Review status: criteria provided, single submitter. Criteria: ACMG Guidelines, 2015. Collection method: clinical testing. Allele origin: germline. Inheritance: Autosomal dominant inheritance. Observed: 1 variant allele, 1 heterozygote.
Comment: This missense variant replaces serine with asparagine at codon 107 of the LMNA protein. Computational prediction suggests that this variant may not impact protein structure and function (internally defined REVEL score threshold <= 0.5, PMID: 27666373). To our knowledge, functional studies have not been reported for this variant. This variant has not been reported in individuals affected with LMNA-related disorders in the literature. This variant has not been identified in the general population by the Genome Aggregation Database (gnomAD). The available evidence is insufficient to determine the role of this variant in disease conclusively. Therefore, this variant is classified as a Variant of Uncertain Significance.

This study involves interpretation of variants in research participants for the purpose of population health screening. Participant phenotype was not available at the time of variant classification. Additional details can be found in publication PMID: 35346344, PMCID: PMC8962531